The following is an entry in ClinVar:

ClinVar aggregate classification (germline): Likely benign. Review status: criteria provided, multiple submitters, no conflicts (2 of 4 stars). 3 submissions from 3 submitters: Likely benign (2). 1 of the submissions does not count toward it. Last evaluated 2024-09-13.

Conditions:
CAD-related disorder. Also called: CAD-related condition.

gnomAD v4.1: 38 of 1,614,032 alleles (0.0024%); highest among the groups gnomAD compares: East Asian, 0.042%; no homozygotes.

Submissions (3):

Blueprint Genetics
Classification: Likely benign. Last evaluated: 2024-09-13. Review status: criteria provided, single submitter. Criteria: ACMG Guidelines, 2015. Collection method: clinical testing. Allele origin: germline.

Labcorp Genetics (formerly Invitae), Labcorp
Classification: Likely benign. Last evaluated: 2024-08-05. Review status: criteria provided, single submitter. Criteria: Invitae Variant Classification Sherloc (09022015). Collection method: clinical testing. Allele origin: germline.

PreventionGenetics, part of Exact Sciences
Classification: Likely benign for CAD-related condition. Last evaluated: 2019-04-09. Review status: no assertion criteria provided. Collection method: clinical testing. Allele origin: germline. Not counted in ClinVar's aggregate classification.
Comment: This variant is classified as likely benign based on ACMG/AMP sequence variant interpretation guidelines (Richards et al. 2015 PMID: 25741868, with internal and published modifications).

NM_004341.5(CAD):c.4785C>T (p.Thr1595=)

Gene: CAD (carbamoyl-phosphate synthetase 2, aspartate transcarbamylase, and dihydroorotase; plus strand). Cytogenetic location: 2p23.3.
Variant type: single nucleotide variant.
Coding change: c.4785C>T on transcript NM_004341.5 (MANE Select); coding-DNA position 4785, C replaced by T.
Protein change: p.Thr1595=; no amino-acid change (threonine 1595 retained).
Molecular consequence: synonymous variant.
Genome position (GRCh38, 1-based): chr2:27,238,112, C>T. VCF-style: chr2-27238112-C-T. GRCh37 (hg19) VCF-style: chr2-27460980-C-T.
Other names: c.4596C>T, p.Thr1532= (NM_001306079.2); c.4785C>T (NM_004341.4).
Identifiers: ClinVar variation 1597364 (VCV001597364.11), dbSNP rs765527191, ClinGen allele CA1573658.
Genomic context (GRCh38, chr2:27,238,112, plus strand): 5'-CCAGCATTTCGAGACATGGCCCTCCCACCTCCCCATTGTGGCTCACGCAGAGCAGCAAAC[C>T]GTGGCTGCTGTCCTCATGGTGGCTCAGCTCACTCAGCGCTCAGTGCACATATGTCACGTG-3'
Protein context (NP_004332.2, residues 1585-1605): LPIVAHAEQQ[Thr1595=]VAAVLMVAQL